The following is an entry in ClinVar:

ClinVar aggregate classification (germline): Uncertain significance. Review status: criteria provided, multiple submitters, no conflicts (2 of 4 stars). 3 submissions from 3 submitters: Uncertain significance (3). Last evaluated 2023-05-27.

Conditions:
Primary ciliary dyskinesia. Also called: Ciliary dyskinesia. Identifiers: Orphanet 244, MedGen C0008780, MONDO:0016575, HP:0012265.
Primary ciliary dyskinesia 11. Also called: CILIARY DYSKINESIA, PRIMARY, 11, WITHOUT SITUS INVERSUS. Identifiers: Orphanet 244, MedGen C2675229, MONDO:0012978, OMIM 612649.

Allele frequency attached by ClinVar (database versions not stated): ExAC 0.00002; TOPMed 0.00002; gnomAD 0.00006; ESP Exome Variant Server 0.00008.
gnomAD v4.1: 34 of 1,613,186 alleles (0.0021%); highest among the groups gnomAD compares: African/African-American, 0.0027%; no homozygotes.

Submissions (3):

Ambry Genetics
Classification: Uncertain significance for Primary ciliary dyskinesia. Last evaluated: 2023-05-27. Review status: criteria provided, single submitter. Criteria: Ambry Variant Classification Scheme 2023. Collection method: clinical testing. Allele origin: germline.
Comment: The p.I583T variant (also known as c.1748T>C), located in coding exon 4 of the RSPH4A gene, results from a T to C substitution at nucleotide position 1748. The isoleucine at codon 583 is replaced by threonine, an amino acid with similar properties. This amino acid position is conserved. In addition, this alteration is predicted to be tolerated by in silico analysis. Since supporting evidence is limited at this time, the clinical significance of this alteration remains unclear.

Labcorp Genetics (formerly Invitae), Labcorp
Classification: Uncertain significance for Primary ciliary dyskinesia. Last evaluated: 2018-03-18. Review status: criteria provided, single submitter. Criteria: Invitae Variant Classification Sherloc (09022015). Collection method: clinical testing. Allele origin: germline.
Comment: In summary, the available evidence is currently insufficient to determine the role of this variant in disease. Therefore, it has been classified as a Variant of Uncertain Significance. Algorithms developed to predict the effect of sequence changes on RNA splicing suggest that this variant may create or strengthen a splice site, but this prediction has not been confirmed by published transcriptional studies. Algorithms developed to predict the effect of missense changes on protein structure and function output the following: SIFT: "Tolerated"; PolyPhen-2: "Benign"; Align-GVGD: "Class C0". The threonine amino acid residue is found in multiple mammalian species, suggesting that this missense change does not adversely affect protein function. These predictions have not been confirmed by published functional studies and their clinical significance is uncertain. This variant has not been reported in the literature in individuals with RSPH4A-related disease. This variant is present in population databases (rs141807210, ExAC 0.003%). This sequence change replaces isoleucine with threonine at codon 583 of the RSPH4A protein (p.Ile583Thr). The isoleucine residue is moderately conserved and there is a moderate physicochemical difference between isoleucine and threonine.

Illumina Laboratory Services, Illumina
Classification: Uncertain significance for Primary ciliary dyskinesia 11. Last evaluated: 2018-01-12. Review status: criteria provided, single submitter. Criteria: ICSL Variant Classification Criteria 13 December 2019. Collection method: clinical testing. Allele origin: germline.

NM_001010892.3(RSPH4A):c.1748T>C (p.Ile583Thr)

Gene: RSPH4A (radial spoke head component 4A; plus strand). Cytogenetic location: 6q22.1.
Variant type: single nucleotide variant.
Coding change: c.1748T>C on transcript NM_001010892.3 (MANE Select); coding-DNA position 1748, T replaced by C.
Protein change: p.Ile583Thr; replaces isoleucine 583 with threonine.
Molecular consequence: missense variant. On other transcripts: intron variant (1).
Genome position (GRCh38, 1-based): chr6:116,629,652, T>C. VCF-style: chr6-116629652-T-C. GRCh37 (hg19) VCF-style: chr6-116950815-T-C.
Other names: c.1663-783T>C (NM_001161664.2); short protein forms I583T.
Identifiers: ClinVar variation 906334 (VCV000906334.13), dbSNP rs141807210, ClinGen allele CA3971022.